The following is an entry in ClinVar:

NM_022552.5(DNMT3A):c.677C>T (p.Ala226Val)

Gene: DNMT3A (DNA methyltransferase 3 alpha; minus strand). Cytogenetic location: 2p23.3.
Variant type: single nucleotide variant.
Coding change: c.677C>T on transcript NM_022552.5 (MANE Select); coding-DNA position 677, C replaced by T.
Protein change: p.Ala226Val; replaces alanine 226 with valine.
Molecular consequence: missense variant. On other transcripts: non-coding transcript variant (1).
Genome position (GRCh38, 1-based): chr2:25,248,215, G>A on the plus strand (C>T on the coding strand, the complement: DNMT3A is on the minus strand). VCF-style: chr2-25248215-G-A. GRCh37 (hg19) VCF-style: chr2-25471084-G-A.
Other names: c.221C>T, p.Ala74Val (NM_001320893.1); c.8C>T, p.Ala3Val (NM_001375819.1); c.110C>T, p.Ala37Val (NM_153759.3); c.677C>T, p.Ala226Val (NM_175629.2); short protein forms A226V, A37V, A3V, A74V.
Identifiers: ClinVar variation 4976151 (VCV004976151.1).

ClinVar aggregate classification (germline): Uncertain significance (1 of 4 stars; one submission).

Submission:

GeneDx
Classification: Uncertain significance. Last evaluated: 2026-02-03. Review status: criteria provided, single submitter. Criteria: GeneDx Variant Classification Process June 2021. Collection method: clinical testing. Allele origin: germline.
Comment: Not observed at significant frequency in large population cohorts (gnomAD); In silico analysis suggests that this missense variant does not alter protein structure/function; Has not been previously published as pathogenic or benign to our knowledge